The following is an entry in ClinVar:

NM_016166.3(PIAS1):c.1297G>A (p.Asp433Asn)

Gene: PIAS1 (protein inhibitor of activated STAT 1; plus strand). Cytogenetic location: 15q23.
Variant type: single nucleotide variant.
Coding change: c.1297G>A on transcript NM_016166.3 (MANE Select); coding-DNA position 1297, G replaced by A.
Protein change: p.Asp433Asn; replaces aspartic acid 433 with asparagine.
Molecular consequence: missense variant.
Genome position (GRCh38, 1-based): chr15:68,175,764, G>A. VCF-style: chr15-68175764-G-A. GRCh37 (hg19) VCF-style: chr15-68468102-G-A.
Other names: c.1303G>A, p.Asp435Asn (NM_001320687.1); short protein forms D435N, D433N.
Identifiers: ClinVar variation 1973318 (VCV001973318.5), dbSNP rs746755989, ClinGen allele CA7629991.
Genomic context (GRCh38, chr15:68,175,764, plus strand): 5'-TGGGCACCGATGAGATCAAAAAAGGAAGTACAGGAAGTTTCTGCCTCTTACAATGGAGTC[G>A]ATGGTGAGTAGTTCTTCACAAGGAAGAGGCAGTCTCCCTACTGCTCTAAGTCTGGTTTTC-3'
Protein context (NP_057250.1, residues 423-443): QEVSASYNGV[Asp433Asn]GCLSSTLEHQ

ClinVar aggregate classification (germline): Uncertain significance (1 of 4 stars; one submission).

Allele frequency attached by ClinVar (database versions not stated): gnomAD 0.00001; ExAC 0.00002.
gnomAD v4.1: 7 of 1,600,404 alleles (0.00044%); highest among the groups gnomAD compares: Admixed American, 0.0068%; no homozygotes.

Submission:

Labcorp Genetics (formerly Invitae), Labcorp
Classification: Uncertain significance. Last evaluated: 2025-01-06. Review status: criteria provided, single submitter. Criteria: Invitae Variant Classification Sherloc (09022015). Collection method: clinical testing. Allele origin: germline.
Comment: This sequence change replaces aspartic acid, which is acidic and polar, with asparagine, which is neutral and polar, at codon 433 of the PIAS1 protein (p.Asp433Asn). This variant is present in population databases (rs746755989, gnomAD 0.01%). This variant has not been reported in the literature in individuals affected with PIAS1-related conditions. ClinVar contains an entry for this variant (Variation ID: 1973318). Invitae Evidence Modeling of protein sequence and biophysical properties (such as structural, functional, and spatial information, amino acid conservation, physicochemical variation, residue mobility, and thermodynamic stability) indicates that this missense variant is not expected to disrupt PIAS1 protein function with a negative predictive value of 80%. In summary, the available evidence is currently insufficient to determine the role of this variant in disease. Therefore, it has been classified as a Variant of Uncertain Significance.